The following is an entry in ClinVar:

NM_000528.4(MAN2B1):c.1A>T (p.Met1Leu)

Genes: MAN2B1 (mannosidase alpha class 2B member 1; minus strand), LOC130063650 (ATAC-STARR-seq lymphoblastoid silent region 10156; plus strand). Cytogenetic location: 19p13.13.
Variant type: single nucleotide variant.
Coding change: c.1A>T on transcript NM_000528.4 (MANE Select); coding-DNA position 1, A replaced by T.
Protein change: p.Met1Leu; changes the start codon (methionine 1).
Molecular consequence: missense variant, initiator codon variant.
Genome position (GRCh38, 1-based): chr19:12,666,701, T>A on the plus strand (A>T on the coding strand, the complement: MAN2B1 is on the minus strand). VCF-style: chr19-12666701-T-A. GRCh37 (hg19) VCF-style: chr19-12777515-T-A.
Other names: c.1A>T, p.Met1Leu (NM_001173498.2); short protein forms M1L.
Identifiers: ClinVar variation 552407 (VCV000552407.5), dbSNP rs967834240, ClinGen allele CA305479304.

ClinVar aggregate classification (germline): Conflicting classifications of pathogenicity. Review status: criteria provided, conflicting classifications (1 of 4 stars). 3 submissions from 3 submitters: Likely pathogenic (1); Uncertain significance (1). 1 of the submissions does not count toward it. Last evaluated 2025-05-21.

Conditions:
Deficiency of alpha-mannosidase (MANSA). Also called: LYSOSOMAL ALPHA-D-MANNOSIDASE DEFICIENCY; Mannosidosis, alpha-, types I and II; Alpha-Mannosidosis. Identifiers: Orphanet 61, MedGen C0024748, MONDO:0009561, OMIM 248500.

Submissions (3):

Natera, Inc.
Classification: Likely pathogenic for Alpha-mannosidosis. Last evaluated: 2025-05-21. Review status: criteria provided, single submitter. Criteria: Natera Variant Classification Schema (03/2026). Collection method: clinical testing. Allele origin: germline.
Comment: The c.1A>T variant in MAN2B1 is predicted to result in start loss due to disruption of the initiator methionine. This variant is expected to result in nonsense mediated decay, truncation, or a dysfunctional protein product. This variant is rare in the general population with a frequency below the threshold expected for the associated phenotype(s). Given the available evidence, this variant is classified as Likely Pathogenic.

Labcorp Genetics (formerly Invitae), Labcorp
Classification: Uncertain significance for Deficiency of alpha-mannosidase. Last evaluated: 2022-04-29. Review status: criteria provided, single submitter. Criteria: Invitae Variant Classification Sherloc (09022015). Collection method: clinical testing. Allele origin: germline.
Comment: This sequence change affects the initiator methionine of the MAN2B1 mRNA. The next in-frame methionine is located at codon 24. The frequency data for this variant in the population databases is considered unreliable, as metrics indicate poor data quality at this position in the gnomAD database. This variant has not been reported in the literature in individuals affected with MAN2B1-related conditions. ClinVar contains an entry for this variant (Variation ID: 552407). In summary, the available evidence is currently insufficient to determine the role of this variant in disease. Therefore, it has been classified as a Variant of Uncertain Significance.

Counsyl
Classification: Uncertain significance for Deficiency of alpha-mannosidase. Last evaluated: 2017-06-08. Review status: no assertion criteria provided. Collection method: clinical testing. Allele origin: unknown. Not counted in ClinVar's aggregate classification.

Literature cited by the submitters: PubMed 21505070 (cited by Counsyl).